The following is an entry in ClinVar:

ClinVar aggregate classification (germline): Pathogenic (1 of 4 stars; one submission).

Conditions:
Hereditary cancer-predisposing syndrome. Also called: Hereditary Cancer Syndrome; Hereditary neoplastic syndrome; Neoplastic Syndromes, Hereditary; Tumor predisposition. Identifiers: Orphanet 140162, MedGen C0027672, MeSH D009386, MONDO:0015356.

Submission:

Ambry Genetics
Classification: Pathogenic for Hereditary cancer-predisposing syndrome. Last evaluated: 2022-08-22. Review status: criteria provided, single submitter. Criteria: Ambry Variant Classification Scheme 2023. Collection method: clinical testing. Allele origin: germline.
Comment: The c.1174_1189del16 pathogenic mutation, located in coding exon 4 of the PALB2 gene, results from a deletion of 16 nucleotides at nucleotide positions 1174 to 1189, causing a translational frameshift with a predicted alternate stop codon (p.E392Qfs*27). This variant is considered to be rare based on population cohorts in the Genome Aggregation Database (gnomAD). This alteration is expected to result in loss of function by premature protein truncation or nonsense-mediated mRNA decay. As such, this alteration is interpreted as a disease-causing mutation.

NM_024675.4(PALB2):c.1174_1189del (p.Glu392fs)

Gene: PALB2 (partner and localizer of BRCA2; minus strand). Cytogenetic location: 16p12.2.
Variant type: Deletion.
Coding change: c.1174_1189del on transcript NM_024675.4 (MANE Select); coding-DNA positions 1174 to 1189, 16 bases deleted (GAAAAACATTCTTGCA).
Protein change: p.Glu392fs; shifts the reading frame from glutamic acid 392.
Molecular consequence: frameshift variant.
Genome position (GRCh38, 1-based): chr16:23,635,357-23,635,372, TGCAAGAATGTTTTTC deleted on the plus strand (GAAAAACATTCTTGCA on the coding strand, the reverse complement: PALB2 is on the minus strand); deleting any 16 consecutive bases within chr16:23,635,357-23,635,376 gives the same sequence; the c. name uses the placement nearest the transcript's 3' end. VCF-style (leftmost placement, unchanged base first): chr16-23635356-GTGCAAGAATGTTTTTC-G. GRCh37 (hg19) VCF-style: chr16-23646677-GTGCAAGAATGTTTTTC-G.
Other names: c.1174_1189del16 (NM_024675.3); c.1110_1125del16, p.Glu372Glnfs (NM_001407296.1); c.1170_1185del16, p.Glu392Glnfs (NM_001407297.1, NM_001407298.1, NM_001407299.1 and 3 more transcripts); c.285_300del16, p.Glu97Glnfs (NM_001407304.1, NM_001407305.1, NM_001407306.1 and 5 more transcripts); short protein forms E392fs.
Identifiers: ClinVar variation 1740239 (VCV001740239.2), dbSNP rs2506486000, ClinGen allele CA2580091301.